The following is an entry in ClinVar:

NM_006516.4(SLC2A1):c.886A>G (p.Ser296Gly)

Gene: SLC2A1 (solute carrier family 2 member 1; minus strand). Cytogenetic location: 1p34.2.
Variant type: single nucleotide variant.
Coding change: c.886A>G on transcript NM_006516.4 (MANE Select); coding-DNA position 886, A replaced by G.
Protein change: p.Ser296Gly; replaces serine 296 with glycine.
Molecular consequence: missense variant.
Genome position (GRCh38, 1-based): chr1:42,929,296, T>C on the plus strand (A>G on the coding strand, the complement: SLC2A1 is on the minus strand). VCF-style: chr1-42929296-T-C. GRCh37 (hg19) VCF-style: chr1-43394967-T-C.
Other names: short protein forms S296G.
Identifiers: ClinVar variation 1379689 (VCV001379689.8), dbSNP rs2124448386, ClinGen allele CA339956899.

ClinVar aggregate classification (germline): Uncertain significance (1 of 4 stars; one submission).

Conditions:
GLUT1 deficiency syndrome 1, autosomal recessive. Identifiers: MedGen C3149117.

Submission:

Labcorp Genetics (formerly Invitae), Labcorp
Classification: Uncertain significance for GLUT1 deficiency syndrome 1, autosomal recessive. Last evaluated: 2022-08-22. Review status: criteria provided, single submitter. Criteria: Invitae Variant Classification Sherloc (09022015). Collection method: clinical testing. Allele origin: germline.
Comment: This sequence change replaces serine, which is neutral and polar, with glycine, which is neutral and non-polar, at codon 296 of the SLC2A1 protein (p.Ser296Gly). In summary, the available evidence is currently insufficient to determine the role of this variant in disease. Therefore, it has been classified as a Variant of Uncertain Significance. Advanced modeling of protein sequence and biophysical properties (such as structural, functional, and spatial information, amino acid conservation, physicochemical variation, residue mobility, and thermodynamic stability) performed at Invitae indicates that this missense variant is not expected to disrupt SLC2A1 protein function. ClinVar contains an entry for this variant (Variation ID: 1379689). This variant has not been reported in the literature in individuals affected with SLC2A1-related conditions. This variant is not present in population databases (gnomAD no frequency).